The following is an entry in ClinVar:

NM_006567.5(FARS2):c.571T>C (p.Phe191Leu)

Genes: FARS2 (phenylalanyl-tRNA synthetase 2, mitochondrial; plus strand), LOC126859565 (CDK7 strongly-dependent group 2 enhancer GRCh37_chr6:5368745-5369944; plus strand). Cytogenetic location: 6p25.1.
Variant type: single nucleotide variant.
Coding change: c.571T>C on transcript NM_006567.5 (MANE Select); coding-DNA position 571, T replaced by C.
Protein change: p.Phe191Leu; replaces phenylalanine 191 with leucine.
Molecular consequence: missense variant. On other transcripts: intron variant (2).
Genome position (GRCh38, 1-based): chr6:5,369,141, T>C. VCF-style: chr6-5369141-T-C. GRCh37 (hg19) VCF-style: chr6-5369374-T-C.
Other names: c.571T>C, p.Phe191Leu (NM_001318872.2, NM_001374875.1, NM_001374876.1 and 5 more transcripts); c.-340-27492T>C (NM_001375260.1); c.-84-35401T>C (NM_001375259.1); short protein forms F191L.
Identifiers: ClinVar variation 4709955 (VCV004709955.1).
Genomic context (GRCh38, chr6:5,369,141, plus strand): 5'-TTCCTGGTGGTGGGTGATGTCTACAGGCGTGACCAGATCGACTCCCAGCACTACCCTATT[T>C]TCCACCAGCTGGAGGCCGTGCGGCTCTTCTCCAAGCATGAGGTGAGTCTTGAGATGTTTC-3'
Protein context (NP_006558.1, residues 181-201): DQIDSQHYPI[Phe191Leu]HQLEAVRLFS

ClinVar aggregate classification (germline): Uncertain significance (1 of 4 stars; one submission).

Conditions:
Combined oxidative phosphorylation defect type 14. Also called: Combined oxidative phosphorylation deficiency 14. Identifiers: Orphanet 319519, MedGen C4755312, MONDO:0013986, OMIM 614946.

gnomAD v4.1: 1 of 1,611,666 alleles (0.000062%); no homozygotes.

Submission:

Labcorp Genetics (formerly Invitae), Labcorp
Classification: Uncertain significance for Combined oxidative phosphorylation defect type 14. Last evaluated: 2025-07-31. Review status: criteria provided, single submitter. Criteria: Invitae Variant Classification Sherloc (09022015). Collection method: clinical testing. Allele origin: germline.
Comment: This sequence change replaces phenylalanine, which is neutral and non-polar, with leucine, which is neutral and non-polar, at codon 191 of the FARS2 protein (p.Phe191Leu). This variant is not present in population databases (gnomAD no frequency). This variant has not been reported in the literature in individuals affected with FARS2-related conditions. Invitae Evidence Modeling of protein sequence and biophysical properties (such as structural, functional, and spatial information, amino acid conservation, physicochemical variation, residue mobility, and thermodynamic stability) indicates that this missense variant is expected to disrupt FARS2 protein function with a positive predictive value of 95%. In summary, the available evidence is currently insufficient to determine the role of this variant in disease. Therefore, it has been classified as a Variant of Uncertain Significance.